The following is an entry in ClinVar:

NM_139315.3(TAF6):c.1723G>A (p.Val575Ile)

Genes: AP4M1 (adaptor related protein complex 4 subunit mu 1; plus strand), TAF6 (TATA-box binding protein associated factor 6; minus strand). Cytogenetic location: 7q22.1.
Variant type: single nucleotide variant.
Coding change: c.1723G>A on transcript NM_139315.3 (MANE Select); coding-DNA position 1723, G replaced by A.
Protein change: p.Val575Ile; replaces valine 575 with isoleucine.
Molecular consequence: missense variant. On other transcripts: non-coding transcript variant (1), 3 prime UTR variant (2).
Genome position (GRCh38, 1-based): chr7:100,107,557, C>T on the plus strand (G>A on the coding strand, the complement: TAF6 is on the minus strand). VCF-style: chr7-100107557-C-T. GRCh37 (hg19) VCF-style: chr7-99705180-C-T.
Other names: c.1834G>A, p.Val612Ile (NM_001190415.2); c.1723G>A, p.Val575Ile (NM_001364998.1, NM_001364999.1, NM_005641.4); c.1693G>A, p.Val565Ile (NM_001365000.1, NM_001365001.1, NM_001365002.1 and 1 more transcripts); c.1861G>A, p.Val621Ile (NM_001365004.1); c.*675C>T (NM_001363671.2, NM_004722.4); short protein forms V565I, V575I, V612I, V621I.
Identifiers: ClinVar variation 2721752 (VCV002721752.3), dbSNP rs369490884, ClinGen allele CA4375174.

ClinVar aggregate classification (germline): Uncertain significance (1 of 4 stars; one submission).

Allele frequency attached by ClinVar (database versions not stated): TOPMed 0.00005; ESP Exome Variant Server 0.00008; gnomAD 0.00003; gnomAD exomes 0.00003; ExAC 0.00003.
gnomAD v4.1: 45 of 1,613,674 alleles (0.0028%); highest among the groups gnomAD compares: African/African-American, 0.0067%; no homozygotes.

Submission:

Labcorp Genetics (formerly Invitae), Labcorp
Classification: Uncertain significance. Last evaluated: 2023-07-17. Review status: criteria provided, single submitter. Criteria: Invitae Variant Classification Sherloc (09022015). Collection method: clinical testing. Allele origin: germline.
Comment: In summary, the available evidence is currently insufficient to determine the role of this variant in disease. Therefore, it has been classified as a Variant of Uncertain Significance. An algorithm developed to predict the effect of missense changes on protein structure and function (PolyPhen-2) suggests that this variant is likely to be tolerated. This variant has not been reported in the literature in individuals affected with TAF6-related conditions. This variant is present in population databases (rs369490884, gnomAD 0.01%). This sequence change replaces valine, which is neutral and non-polar, with isoleucine, which is neutral and non-polar, at codon 575 of the TAF6 protein (p.Val575Ile).